The following is an entry in ClinVar:

ClinVar aggregate classification (germline): Uncertain significance (1 of 4 stars; one submission).

Allele frequency attached by ClinVar (database versions not stated): gnomAD exomes below 0.00001; gnomAD 0.00001; TOPMed 0.00001.
gnomAD v4.1: 9 of 1,613,804 alleles (0.00056%); highest among the groups gnomAD compares: Admixed American, 0.0017%; no homozygotes.

Submission:

GeneDx
Classification: Uncertain significance. Last evaluated: 2019-04-14. Review status: criteria provided, single submitter. Criteria: GeneDx Variant Classification Process June 2021. Collection method: clinical testing. Allele origin: germline. Affected: yes.
Comment: Has not been previously published as pathogenic or benign to our knowledge; Not observed at a significant frequency in large population cohorts (Lek et al., 2016); In silico analysis, which includes protein predictors and evolutionary conservation, supports that this variant does not alter protein structure/function

NM_001370466.1(NOD2):c.272A>G (p.Lys91Arg)

Gene: NOD2 (nucleotide binding oligomerization domain containing 2; plus strand). Cytogenetic location: 16q12.1.
Variant type: single nucleotide variant.
Coding change: c.272A>G on transcript NM_001370466.1 (MANE Select); coding-DNA position 272, A replaced by G.
Protein change: p.Lys91Arg; replaces lysine 91 with arginine.
Molecular consequence: missense variant. On other transcripts: non-coding transcript variant (1).
Genome position (GRCh38, 1-based): chr16:50,699,767, A>G. VCF-style: chr16-50699767-A-G. GRCh37 (hg19) VCF-style: chr16-50733678-A-G.
Other names: c.272A>G, p.Lys91Arg (NM_001293557.2); c.353A>G, p.Lys118Arg (NM_022162.3); short protein forms K118R, K91R.
Identifiers: ClinVar variation 1304984 (VCV001304984.2), dbSNP rs1032593984, ClinGen allele CA281250282.